The following is an entry in ClinVar:

ClinVar aggregate classification (germline): Benign/Likely benign. Review status: criteria provided, multiple submitters, no conflicts (2 of 4 stars). 6 submissions from 6 submitters: Benign (5); Likely benign (1). Last evaluated 2026-09-01.

Conditions:
Retinoblastoma (RB1). Also called: RETINOBLASTOMA, SOMATIC. Identifiers: Orphanet 790, MedGen C0035335, MeSH D012175, MONDO:0008380, OMIM 180200, HP:0009919. Disease mechanism: loss of function. Inheritance: Both sporadic and heritable forms are tested..
LPAR6-related disorder. Also called: LPAR6-related condition.

Allele frequency attached by ClinVar (database versions not stated): 1000 Genomes Project 30x 0.00344; 1000 Genomes Project 0.00379; TOPMed 0.00649; gnomAD 0.00836 and 0.00841; gnomAD exomes 0.00875; ExAC 0.00926; ESP Exome Variant Server 0.01015.
gnomAD v4.1: 19,321 of 1,612,538 alleles (1.2%); highest among the groups gnomAD compares: Non-Finnish European, 1.4%; 117 homozygotes.

Submissions (6):

CeGaT Center for Human Genetics Tuebingen
Classification: Benign. Last evaluated: 2026-09-01. Review status: criteria provided, single submitter. Criteria: CeGaT Center For Human Genetics Tuebingen Variant Classification Criteria Version 2. Collection method: clinical testing. Allele origin: germline. Affected: yes. Observed: 44 variant alleles.
Comment: LPAR6: BP4, BS1, BS2; RB1: BS1, BS2

Labcorp Genetics (formerly Invitae), Labcorp
Classification: Benign. Last evaluated: 2026-01-28. Review status: criteria provided, single submitter. Criteria: Invitae Variant Classification Sherloc (09022015). Collection method: clinical testing. Allele origin: germline.

PreventionGenetics, part of Exact Sciences
Classification: Benign for LPAR6-related condition. Last evaluated: 2026-01-19. Review status: criteria provided, single submitter. Criteria: ACMG Guidelines, 2015. Collection method: clinical testing. Allele origin: germline.
Comment: This variant is classified as benign based on ACMG/AMP sequence variant interpretation guidelines (Richards et al. 2015 PMID: 25741868, with internal and published modifications).

Center for Genomic Medicine, Rigshospitalet, Copenhagen University Hospital
Classification: Benign. Last evaluated: 2025-03-04. Review status: criteria provided, single submitter. Criteria: ACMG Guidelines, 2015. Collection method: clinical testing. Allele origin: germline.

Mendelics
Classification: Benign for Retinoblastoma. Last evaluated: 2023-08-22. Review status: criteria provided, single submitter. Criteria: Mendelics Assertion Criteria 2019. Collection method: clinical testing. Allele origin: germline.

GeneDx
Classification: Likely benign. Last evaluated: 2021-05-17. Review status: criteria provided, single submitter. Criteria: GeneDx Variant Classification Process June 2021. Collection method: clinical testing. Allele origin: germline. Affected: yes.

NM_000321.3(RB1):c.1695+30060C>A

Genes: LPAR6 (lysophosphatidic acid receptor 6; minus strand), RB1 (RB transcriptional corepressor 1; plus strand). Cytogenetic location: 13q14.2.
Variant type: single nucleotide variant.
Coding change: c.1695+30060C>A on transcript NM_000321.3 (MANE Select); 30060 bases into the intron after coding-DNA position 1695, C replaced by A.
Molecular consequence: intron variant. On other transcripts: missense variant (5).
Genome position (GRCh38, 1-based): chr13:48,411,503, C>A. VCF-style: chr13-48411503-C-A. GRCh37 (hg19) VCF-style: chr13-48985639-C-A.
Other names: c.921G>T, p.Trp307Cys (NM_001162497.3, NM_001162498.3, NM_001377316.2 and 2 more transcripts); c.1695+30060C>A (NM_001407165.1); short protein forms W307C.
Identifiers: ClinVar variation 774331 (VCV000774331.39), dbSNP rs17071686, ClinGen allele CA029785.